The following is an entry in ClinVar:

NM_001042507.4(LGALS7B):c.270C>T (p.Leu90=)

Gene: LGALS7B (galectin 7B; plus strand). Cytogenetic location: 19q13.2.
Variant type: single nucleotide variant.
Coding change: c.270C>T on transcript NM_001042507.4 (MANE Select); coding-DNA position 270, C replaced by T.
Protein change: p.Leu90=; no amino-acid change (leucine 90 retained).
Molecular consequence: synonymous variant.
Genome position (GRCh38, 1-based): chr19:38,790,863, C>T. VCF-style: chr19-38790863-C-T. GRCh37 (hg19) VCF-style: chr19-39281503-C-T.
Identifiers: ClinVar variation 4084840 (VCV004084840.8).

ClinVar aggregate classification (germline): Likely benign (1 of 4 stars; one submission).

Submission:

CeGaT Center for Human Genetics Tuebingen
Classification: Likely benign. Last evaluated: 2025-08-01. Review status: criteria provided, single submitter. Criteria: CeGaT Center For Human Genetics Tuebingen Variant Classification Criteria Version 2. Collection method: clinical testing. Allele origin: germline. Affected: yes. Observed: 1 variant allele.
Comment: LGALS7B: BP4, BP7